The following is an entry in ClinVar:

NM_003672.4(CDC14A):c.778G>A (p.Val260Met)

Gene: CDC14A (cell division cycle 14A; plus strand). Cytogenetic location: 1p21.2.
Variant type: single nucleotide variant.
Coding change: c.778G>A on transcript NM_003672.4 (MANE Select); coding-DNA position 778, G replaced by A.
Protein change: p.Val260Met; replaces valine 260 with methionine.
Molecular consequence: missense variant. On other transcripts: 5 prime UTR variant (1).
Genome position (GRCh38, 1-based): chr1:100,462,821, G>A. VCF-style: chr1-100462821-G-A. GRCh37 (hg19) VCF-style: chr1-100928377-G-A.
Other names: c.778G>A, p.Val260Met (NM_001319210.2, NM_033312.3, NM_033313.3); c.604G>A, p.Val202Met (NM_001319211.2); c.-102G>A (NM_001319212.2); short protein forms V202M, V260M.
Identifiers: ClinVar variation 1220944 (VCV001220944.33), dbSNP rs61755295, ClinGen allele CA970682.

ClinVar aggregate classification (germline): Benign. Review status: criteria provided, multiple submitters, no conflicts (2 of 4 stars). 4 submissions from 4 submitters: Benign (4). Last evaluated 2026-06-01.

Allele frequency attached by ClinVar (database versions not stated): 1000 Genomes Project 0.00040; 1000 Genomes Project 30x 0.00047; ESP Exome Variant Server 0.00177; ExAC 0.00178; gnomAD exomes 0.00239.
gnomAD v4.1: 2,029 of 1,614,042 alleles (0.13%); highest among the groups gnomAD compares: Admixed American, 0.1%; 37 homozygotes.

Submissions (4):

CeGaT Center for Human Genetics Tuebingen
Classification: Benign. Last evaluated: 2026-06-01. Review status: criteria provided, single submitter. Criteria: CeGaT Center For Human Genetics Tuebingen Variant Classification Criteria Version 2. Collection method: clinical testing. Allele origin: germline. Affected: yes. Observed: 4 variant alleles.
Comment: CDC14A: BS1, BS2

Labcorp Genetics (formerly Invitae), Labcorp
Classification: Benign. Last evaluated: 2026-01-04. Review status: criteria provided, single submitter. Criteria: Invitae Variant Classification Sherloc (09022015). Collection method: clinical testing. Allele origin: germline.

GeneDx
Classification: Benign. Last evaluated: 2018-11-19. Review status: criteria provided, single submitter. Criteria: GeneDx Variant Classification Process June 2021. Collection method: clinical testing. Allele origin: germline. Affected: yes.

Breakthrough Genomics
Classification: Benign. Review status: criteria provided, single submitter. Criteria: ACMG Guidelines, 2015. Collection method: not provided. Allele origin: germline. Inheritance: Autosomal recessive inheritance. Affected: yes.